The following is an entry in ClinVar:

NM_138694.4(PKHD1):c.10505A>T (p.Glu3502Val)

Gene: PKHD1 (PKHD1 ciliary IPT domain containing fibrocystin/polyductin; minus strand). Cytogenetic location: 6p12.3.
Variant type: single nucleotide variant.
Coding change: c.10505A>T on transcript NM_138694.4 (MANE Select); coding-DNA position 10505, A replaced by T.
Protein change: p.Glu3502Val; replaces glutamic acid 3502 with valine.
Molecular consequence: missense variant.
Genome position (GRCh38, 1-based): chr6:51,659,621, T>A on the plus strand (A>T on the coding strand, the complement: PKHD1 is on the minus strand). VCF-style: chr6-51659621-T-A. GRCh37 (hg19) VCF-style: chr6-51524419-T-A.
Other names: short protein forms E3502V.
Identifiers: ClinVar variation 553147 (VCV000553147.3), dbSNP rs1554183496, ClinGen allele CA364434586.

ClinVar aggregate classification (germline): Likely pathogenic. Review status: criteria provided, single submitter (1 of 4 stars). 2 submissions from 2 submitters: Likely pathogenic (1). 1 of the submissions does not count toward it. Last evaluated 2024-08-20.

Conditions:
Polycystic kidney disease 4 (PKD4). Also called: POLYCYSTIC KIDNEY DISEASE 4 WITH OR WITHOUT POLYCYSTIC LIVER DISEASE; POLYCYSTIC KIDNEY AND HEPATIC DISEASE 1; POLYCYSTIC KIDNEY DISEASE, INFANTILE, TYPE I; PKD3; Autosomal Recessive Polycystic Kidney Disease – PKHD1. Identifiers: MedGen C4540575, MONDO:0033004, OMIM 263200.
Autosomal recessive polycystic kidney disease (ARPKD). Also called: AR polycystic kidney disease. Identifiers: Orphanet 731, Orphanet 8378, MedGen C0085548, MeSH D017044, MONDO:0009889.

Submissions (2):

Natera, Inc.
Classification: Likely pathogenic for Autosomal recessive polycystic kidney disease. Last evaluated: 2024-08-20. Review status: criteria provided, single submitter. Criteria: Natera Variant Classification Schema (03/2026). Collection method: clinical testing. Allele origin: germline.
Comment: The c.10505A>T variant in PKHD1 is a missense variant predicted to cause substitution of glutamic acid to valine at amino acid 3502. This variant is rare in the general population with a frequency below the threshold expected for the associated phenotype(s). This variant has been observed in one or more individuals affected with the associated recessive disease, as either homozygous or compound heterozygous with a second variant (PMID: 12846734). This variant has been identified in one or more affected individuals with a phenotype highly consistent with the associated gene (PMID: 12846734). Computational prediction algorithms indicate this variant is likely to affect gene or protein function. Given the available evidence, this variant is classified as Likely Pathogenic.

Counsyl
Classification: Uncertain significance for Polycystic kidney disease 4. Last evaluated: 2017-08-02. Review status: no assertion criteria provided. Collection method: clinical testing. Allele origin: unknown. Not counted in ClinVar's aggregate classification.

Literature cited by the submitters: PubMed 12846734 (cited by Natera, Inc. and Counsyl).